The following is an entry in ClinVar:

NM_020928.2(ZSWIM6):c.3631C>T (p.Arg1211Trp)

Gene: ZSWIM6 (zinc finger SWIM-type containing 6; plus strand). Cytogenetic location: 5q12.1.
Variant type: single nucleotide variant.
Coding change: c.3631C>T on transcript NM_020928.2 (MANE Select); coding-DNA position 3631, C replaced by T.
Protein change: p.Arg1211Trp; replaces arginine 1211 with tryptophan.
Molecular consequence: missense variant.
Genome position (GRCh38, 1-based): chr5:61,544,300, C>T. VCF-style: chr5-61544300-C-T. GRCh37 (hg19) VCF-style: chr5-60840127-C-T.
Other names: short protein forms R1211W.
Identifiers: ClinVar variation 4890678 (VCV004890678.1).
Genomic context (GRCh38, chr5:61,544,300, plus strand): 5'-CAGTTTATTGACAACCTGAAACAAATCTACAAAGGCAAAAAGAAACTGATGATGTTGGTT[C>T]GGGAGAGGTTTGGTTGATAGATCTTGTATGAATGGGGTGGGGGGTGGGGATGGGAGGGAT-3'
Protein context (NP_065979.1, residues 1201-1215): KGKKKLMMLV[Arg1211Trp]ERFG

ClinVar aggregate classification (germline): Uncertain significance (1 of 4 stars; one submission).

Conditions:
Neurodevelopmental disorder with movement abnormalities, abnormal gait, and autistic features. Identifiers: MedGen C4693405, MONDO:0060642, OMIM 617865.

Submission:

Medical Genetics Center, Maternal and Child Health Hospital of Hubei Province
Classification: Uncertain significance for Neurodevelopmental disorder with movement abnormalities, abnormal gait, and autistic features. Last evaluated: 2025-01-22. Review status: criteria provided, single submitter. Criteria: ACMG Guidelines, 2015. Collection method: clinical testing. Allele origin: de novo. Affected: yes.
Comment: PM1+PP2+PS2_Supporting+PM2_Supporting